The following is an entry in ClinVar:

ClinVar aggregate classification (germline): Pathogenic/Likely pathogenic. Review status: criteria provided, multiple submitters, no conflicts (2 of 4 stars). 3 submissions from 3 submitters: Pathogenic (1); Likely pathogenic (2). Last evaluated 2025-09-10.

Conditions:
Interstitial lung disease due to ABCA3 deficiency. Also called: PULMONARY ALVEOLAR PROTEINOSIS, CONGENITAL, 3. Identifiers: Orphanet 440402, MedGen C1970456, MONDO:0012582, OMIM 610921.

Allele frequency attached by ClinVar (database versions not stated): gnomAD 0.00001.
gnomAD v4.1: 4 of 1,613,576 alleles (0.00025%); highest among the groups gnomAD compares: Non-Finnish European, 0.00034%; no homozygotes.

Submissions (3):

Genomic Medicine Center of Excellence, King Faisal Specialist Hospital and Research Centre
Classification: Pathogenic for Interstitial lung disease due to ABCA3 deficiency. Last evaluated: 2025-09-10. Review status: criteria provided, single submitter. Criteria: ACMG Guidelines, 2015. Collection method: clinical testing. Allele origin: germline.

Fulgent Genetics
Classification: Likely pathogenic for Interstitial lung disease due to ABCA3 deficiency. Last evaluated: 2024-03-09. Review status: criteria provided, single submitter. Criteria: ACMG Guidelines, 2015. Collection method: clinical testing. Allele origin: germline.

Women's Health and Genetics/Laboratory Corporation of America, LabCorp
Classification: Likely pathogenic for Interstitial lung disease due to ABCA3 deficiency. Last evaluated: 2024-03-08. Review status: criteria provided, single submitter. Criteria: LabCorp Variant Classification Summary - May 2015. Collection method: clinical testing. Allele origin: germline.
Comment: Variant summary: ABCA3 c.4090G>A (p.Glu1364Lys) results in a conservative amino acid change in the encoded protein sequence. Four of five in-silico tools predict a damaging effect of the variant on protein function. The variant was absent in 251214 control chromosomes. c.4090G>A has been reported in the literature as biallelic homozygous or compound heterozygous genotypes in individuals affected with Pulmonary surfactant metabolism dysfunction (example, Wambach_2014, Kroner_2017, Li_2023). These data indicate that the variant may be associated with disease. At least one publication reports experimental evidence evaluating an impact on protein function (Yang_2023). The most pronounced variant effect results in impairment of intracellular trafficking and pumping activity across different assays evaluated. The following publications have been ascertained in the context of this evaluation (PMID: 27516224, 36808083, 24871971, 37108718). No submitters have cited clinical-significance assessments for this variant to ClinVar. Based on the evidence outlined above, the variant was classified as likely pathogenic.

Literature cited by the submitters: PubMed 27516224 (cited by Women's Health and Genetics/Laboratory Corporation of America, LabCorp); PubMed 24871971 (cited by Women's Health and Genetics/Laboratory Corporation of America, LabCorp); PubMed 36808083 (cited by Women's Health and Genetics/Laboratory Corporation of America, LabCorp); PubMed 37108718 (cited by Women's Health and Genetics/Laboratory Corporation of America, LabCorp).

NM_001089.3(ABCA3):c.4090G>A (p.Glu1364Lys)

Gene: ABCA3 (ATP binding cassette subfamily A member 3; minus strand). Cytogenetic location: 16p13.3.
Variant type: single nucleotide variant.
Coding change: c.4090G>A on transcript NM_001089.3 (MANE Select); coding-DNA position 4090, G replaced by A.
Protein change: p.Glu1364Lys; replaces glutamic acid 1364 with lysine.
Molecular consequence: missense variant.
Genome position (GRCh38, 1-based): chr16:2,281,455, C>T on the plus strand (G>A on the coding strand, the complement: ABCA3 is on the minus strand). VCF-style: chr16-2281455-C-T. GRCh37 (hg19) VCF-style: chr16-2331456-C-T.
Other names: short protein forms E1364K.
Identifiers: ClinVar variation 3233564 (VCV003233564.6), dbSNP rs1413175771, ClinGen allele CA394310344.